The following is an entry in ClinVar:

NM_006306.4(SMC1A):c.3559A>G (p.Ile1187Val)

Gene: SMC1A (structural maintenance of chromosomes 1A; minus strand). Cytogenetic location: Xp11.22.
Variant type: single nucleotide variant.
Coding change: c.3559A>G on transcript NM_006306.4 (MANE Select); coding-DNA position 3559, A replaced by G.
Protein change: p.Ile1187Val; replaces isoleucine 1187 with valine.
Molecular consequence: missense variant.
Genome position (GRCh38, 1-based): chrX:53,380,679, T>C on the plus strand (A>G on the coding strand, the complement: SMC1A is on the minus strand). VCF-style: chrX-53380679-T-C. GRCh37 (hg19) VCF-style: chrX-53407600-T-C.
Other names: c.3493A>G, p.Ile1165Val (NM_001281463.1); short protein forms I1187V, I1165V.
Identifiers: ClinVar variation 1463423 (VCV001463423.8), dbSNP rs2146581303, ClinGen allele CA413242157.

ClinVar aggregate classification (germline): Uncertain significance (1 of 4 stars; one submission).

Conditions:
Congenital muscular hypertrophy-cerebral syndrome (CDLS2). Also called: SMC1A-Related Cornelia de Lange Syndrome; Cornelia de Lange syndrome 2. Identifiers: Orphanet 199, MedGen C1802395, MONDO:0010370, OMIM 300590.

Submission:

Labcorp Genetics (formerly Invitae), Labcorp
Classification: Uncertain significance for Congenital muscular hypertrophy-cerebral syndrome. Last evaluated: 2024-03-08. Review status: criteria provided, single submitter. Criteria: Invitae Variant Classification Sherloc (09022015). Collection method: clinical testing. Allele origin: germline.
Comment: This sequence change replaces isoleucine, which is neutral and non-polar, with valine, which is neutral and non-polar, at codon 1187 of the SMC1A protein (p.Ile1187Val). This variant is not present in population databases (gnomAD no frequency). This variant has not been reported in the literature in individuals affected with SMC1A-related conditions. ClinVar contains an entry for this variant (Variation ID: 1463423). Advanced modeling of protein sequence and biophysical properties (such as structural, functional, and spatial information, amino acid conservation, physicochemical variation, residue mobility, and thermodynamic stability) performed at Invitae indicates that this missense variant is not expected to disrupt SMC1A protein function with a negative predictive value of 80%. In summary, the available evidence is currently insufficient to determine the role of this variant in disease. Therefore, it has been classified as a Variant of Uncertain Significance.